The following is an entry in ClinVar:

NM_001165963.4(SCN1A):c.962C>G (p.Ser321Ter)

Gene: SCN1A (sodium voltage-gated channel alpha subunit 1; minus strand). Cytogenetic location: 2q24.3.
Variant type: single nucleotide variant.
Coding change: c.962C>G on transcript NM_001165963.4 (MANE Select); coding-DNA position 962, C replaced by G.
Protein change: p.Ser321Ter; replaces serine 321 with a stop codon.
Molecular consequence: nonsense. On other transcripts: 5 prime UTR variant (1), non-coding transcript variant (1).
Genome position (GRCh38, 1-based): chr2:166,051,721, G>C on the plus strand (C>G on the coding strand, the complement: SCN1A is on the minus strand). VCF-style: chr2-166051721-G-C. GRCh37 (hg19) VCF-style: chr2-166908231-G-C.
Other names: c.962C>G, p.Ser321Ter (NM_001165964.3, NM_001202435.3, NM_001353948.2 and 10 more transcripts); c.-1464C>G (NM_001353961.2); short protein forms S321*.
Identifiers: ClinVar variation 1163419 (VCV001163419.7), dbSNP rs2105888495, ClinGen allele CA349072422.

ClinVar aggregate classification (germline): Pathogenic. Review status: criteria provided, multiple submitters, no conflicts (2 of 4 stars). 2 submissions from 2 submitters: Pathogenic (2). Last evaluated 2022-11-10.

Conditions:
Inborn genetic diseases. Identifiers: MedGen C0950123, MeSH D030342.

Submissions (2):

Ambry Genetics
Classification: Pathogenic for Inborn genetic diseases. Last evaluated: 2022-11-10. Review status: criteria provided, single submitter. Criteria: Ambry Variant Classification Scheme 2023. Collection method: clinical testing. Allele origin: germline.
Comment: The c.962C>G (p.S321*) alteration, located in exon 6 (coding exon 6) of the SCN1A gene, consists of a C to G substitution at nucleotide position 962. This changes the amino acid from a serine (S) to a stop codon at amino acid position 321. This alteration is expected to result in loss of function by premature protein truncation or nonsense-mediated mRNA decay. Although loss of function alterations in SCN1A have been associated with Dravet syndrome, haploinsufficiency for SCN1A has not been established as a mechanism of disease for SCN1A-related developmental and epileptic encephalopathy, SCN1A-related hemiplegic migraine, and SCN1A-related GEFS+. Based on the available evidence, the SCN1A c.962C>G (p.S321*) alteration is classified as pathogenic for Dravet syndrome; however, its clinical significance for SCN1A-related developmental and epileptic encephalopathy, SCN1A-related hemiplegic migraine, and SCN1A-related GEFS+ is unclear. This variant was not reported in population-based cohorts in the Genome Aggregation Database (gnomAD). This variant was report to occur de novo in one individual with Dravet syndrome (Depienne, 2009). Based on the available evidence, this alteration is classified as pathogenic.

Mayo Clinic Laboratories, Mayo Clinic
Classification: Pathogenic. Last evaluated: 2019-10-28. Review status: criteria provided, single submitter. Criteria: ACMG Guidelines, 2015. Collection method: clinical testing. Allele origin: germline. Observed: 1 variant allele.
Comment: PVS1, PM2, PM6

Literature cited by the submitters: PubMed 18930999 (cited by Ambry Genetics and Mayo Clinic Laboratories, Mayo Clinic); PubMed 28150151 (cited by Mayo Clinic Laboratories, Mayo Clinic); PubMed 25525159 (cited by Mayo Clinic Laboratories, Mayo Clinic).